The following is an entry in ClinVar:

NM_001127898.4(CLCN5):c.1517_1518dup (p.Leu507fs)

Gene: CLCN5 (Cl-/H+ antiporter 5; plus strand). Cytogenetic location: Xp11.23.
Variant type: Duplication.
Coding change: c.1517_1518dup on transcript NM_001127898.4 (MANE Select); coding-DNA positions 1517 to 1518, 2 bases duplicated (TA; older notation c.1517_1518dupTA).
Protein change: p.Leu507fs; shifts the reading frame from leucine 507.
Molecular consequence: frameshift variant.
Genome position (GRCh38, 1-based): chrX:50,086,830-50,086,831, TA duplicated; duplicating any 2 consecutive bases within chrX:50,086,829-50,086,831 gives the same sequence; the c. name uses the placement nearest the transcript's 3' end. VCF-style (leftmost placement, unchanged base first): chrX-50086828-C-CAT. GRCh37 (hg19) VCF-style: chrX-49851485-C-CAT.
Other names: c.1307_1308dup, p.Leu437fs (NM_000084.5); c.1517_1518dup, p.Leu507fs (NM_001127899.4); c.1367_1368dup, p.Leu457fs (NM_001282163.2); short protein forms L437fs, L457fs, L507fs.
Identifiers: ClinVar variation 2627490 (VCV002627490.1), dbSNP rs2519435406, ClinGen allele CA2582342914.

ClinVar aggregate classification (germline): Likely pathogenic (1 of 4 stars; one submission).

Conditions:
Dent disease type 1 (DENT1). Also called: NEPHROLITHIASIS 2; NEPHROLITHIASIS, HYPERCALCIURIC, X-LINKED. Identifiers: Orphanet 1652, Orphanet 93622, MedGen C1848336, MONDO:0010225, OMIM 300009.

Submission:

Neuberg Centre For Genomic Medicine, NCGM
Classification: Likely pathogenic for Dent disease type 1. Review status: criteria provided, single submitter. Criteria: ACMG Guidelines, 2015. Collection method: clinical testing. Allele origin: germline. Inheritance: X-linked recessive inheritance. Affected: yes.
Comment: The frameshift duplication p.L437Yfs*2 in CLCN5 (NM_000084.5) has not been reported previously as a pathogenic variant nor as a benign variant, to our knowledge. The p.L437Yfs*2 variant is novel (not in any individuals) in gnomAD Exomes and is novel (not in any individuals) in 1000 Genomes. This variant is predicted to cause loss of normal protein function through protein truncation caused a frameshift mutation. The frame shifted sequence continues 2 residues until a stop codon is reached. For these reasons, this variant has been classified as Likely Pathogenic.